The following is an entry in ClinVar:

ClinVar aggregate classification (germline): Uncertain significance (1 of 4 stars; one submission).

Conditions:
Giant axonal neuropathy 1 (GAN1). Also called: GIANT AXONAL NEUROPATHY 1, AUTOSOMAL RECESSIVE; GAN-Related Neurodegeneration. Identifiers: Orphanet 643, MedGen C1850386, MONDO:0009749, OMIM 256850.

Allele frequency attached by ClinVar (database versions not stated): gnomAD exomes below 0.00001; TOPMed below 0.00001.
gnomAD v4.1: 6 of 1,613,514 alleles (0.00037%); highest among the groups gnomAD compares: African/African-American, 0.0013%; no homozygotes.

Submission:

Labcorp Genetics (formerly Invitae), Labcorp
Classification: Uncertain significance for Giant axonal neuropathy 1. Last evaluated: 2021-08-20. Review status: criteria provided, single submitter. Criteria: Invitae Variant Classification Sherloc (09022015). Collection method: clinical testing. Allele origin: germline.
Comment: This sequence change replaces aspartic acid with glycine at codon 481 of the GAN protein (p.Asp481Gly). The aspartic acid residue is moderately conserved and there is a moderate physicochemical difference between aspartic acid and glycine. This variant is not present in population databases (ExAC no frequency). This variant has not been reported in the literature in individuals affected with GAN-related conditions. Algorithms developed to predict the effect of missense changes on protein structure and function (SIFT, PolyPhen-2, Align-GVGD) all suggest that this variant is likely to be tolerated. In summary, the available evidence is currently insufficient to determine the role of this variant in disease. Therefore, it has been classified as a Variant of Uncertain Significance.

NM_022041.4(GAN):c.1442A>G (p.Asp481Gly)

Gene: GAN (gigaxonin; plus strand). Cytogenetic location: 16q23.2.
Variant type: single nucleotide variant.
Coding change: c.1442A>G on transcript NM_022041.4 (MANE Select); coding-DNA position 1442, A replaced by G.
Protein change: p.Asp481Gly; replaces aspartic acid 481 with glycine.
Molecular consequence: missense variant.
Genome position (GRCh38, 1-based): chr16:81,365,418, A>G. VCF-style: chr16-81365418-A-G. GRCh37 (hg19) VCF-style: chr16-81399023-A-G.
Other names: c.803A>G, p.Asp268Gly (NM_001377486.1); short protein forms D481G, D268G.
Identifiers: ClinVar variation 1494241 (VCV001494241.6), dbSNP rs1713848888, ClinGen allele CA396891394.